The following is an entry in ClinVar:

NM_000059.4(BRCA2):c.4315G>T (p.Ala1439Ser)

Gene: BRCA2 (BRCA2 DNA repair associated; plus strand). Cytogenetic location: 13q13.1.
Variant type: single nucleotide variant.
Coding change: c.4315G>T on transcript NM_000059.4 (MANE Select); coding-DNA position 4315, G replaced by T.
Protein change: p.Ala1439Ser; replaces alanine 1439 with serine.
Molecular consequence: missense variant.
Genome position (GRCh38, 1-based): chr13:32,338,670, G>T. VCF-style: chr13-32338670-G-T. GRCh37 (hg19) VCF-style: chr13-32912807-G-T.
Other names: short protein forms A1439S.
Identifiers: ClinVar variation 824786 (VCV000824786.9), dbSNP rs80358666, ClinGen allele CA387780802.

ClinVar aggregate classification (germline): Conflicting classifications of pathogenicity. Review status: criteria provided, conflicting classifications (1 of 4 stars). 3 submissions from 3 submitters: Uncertain significance (1); Likely benign (2). Last evaluated 2024-11-03.

Conditions:
Hereditary breast ovarian cancer syndrome. Also called: Hereditary breast and ovarian cancer syndrome; Hereditary breast and ovarian cancer; Hereditary breast and ovarian cancer syndrome (HBOC); Breast and ovarian cancer; Hereditary breast and/or ovarian cancer syndrome; BRCA1- and BRCA2-Associated Hereditary Breast and Ovarian Cancer. Identifiers: Orphanet 145, MedGen C0677776, MeSH D061325, MONDO:0003582. Disease mechanism: loss of function.
Hereditary cancer-predisposing syndrome. Also called: Neoplastic Syndromes, Hereditary; Tumor predisposition; Hereditary neoplastic syndrome; Hereditary Cancer Syndrome. Identifiers: Orphanet 140162, MedGen C0027672, MeSH D009386, MONDO:0015356.

Submissions (3):

Labcorp Genetics (formerly Invitae), Labcorp
Classification: Uncertain significance for Hereditary breast ovarian cancer syndrome. Last evaluated: 2024-11-03. Review status: criteria provided, single submitter. Criteria: Invitae Variant Classification Sherloc (09022015). Collection method: clinical testing. Allele origin: germline.
Comment: This sequence change replaces alanine, which is neutral and non-polar, with serine, which is neutral and polar, at codon 1439 of the BRCA2 protein (p.Ala1439Ser). This variant is not present in population databases (gnomAD no frequency). This variant has not been reported in the literature in individuals affected with BRCA2-related conditions. ClinVar contains an entry for this variant (Variation ID: 824786). Invitae Evidence Modeling of protein sequence and biophysical properties (such as structural, functional, and spatial information, amino acid conservation, physicochemical variation, residue mobility, and thermodynamic stability) indicates that this missense variant is not expected to disrupt BRCA2 protein function with a negative predictive value of 95%. In summary, the available evidence is currently insufficient to determine the role of this variant in disease. Therefore, it has been classified as a Variant of Uncertain Significance.

University of Washington Department of Laboratory Medicine, University of Washington
Classification: Likely benign for Hereditary cancer-predisposing syndrome. Last evaluated: 2023-03-23. Review status: criteria provided, single submitter. Criteria: Dines et al. (Genet Med. 2020). Collection method: curation. Allele origin: germline.
Comment: Missense variant in a coldspot region where missense variants are very unlikely to be pathogenic (PMID:31911673).

BRCA2 exon 11 coldspot. Reclassification based on statistical prior probability.

Ambry Genetics
Classification: Likely benign for Hereditary cancer-predisposing syndrome. Last evaluated: 2018-02-14. Review status: criteria provided, single submitter. Criteria: Ambry Variant Classification Scheme 2023. Collection method: clinical testing. Allele origin: germline.